The following is an entry in ClinVar:

ClinVar aggregate classification (germline): Uncertain significance (1 of 4 stars; one submission).

Conditions:
Charcot-Marie-Tooth disease axonal type 2O. Also called: CHARCOT-MARIE-TOOTH NEUROPATHY, AXONAL, TYPE 2O; CHARCOT-MARIE-TOOTH DISEASE, AXONAL, AUTOSOMAL DOMINANT, TYPE 2O; Charcot-Marie-Tooth Neuropathy Type 2O; Charcot-Marie-Tooth disease, axonal, type 20. Identifiers: Orphanet 284232, MedGen C3280220, MONDO:0013644, OMIM 614228.

Allele frequency attached by ClinVar (database versions not stated): gnomAD exomes below 0.00001.
gnomAD v4.1: 2 of 1,614,232 alleles (0.00012%); highest among the groups gnomAD compares: South Asian, 0.0022%; no homozygotes.

Submission:

Labcorp Genetics (formerly Invitae), Labcorp
Classification: Uncertain significance for Charcot-Marie-Tooth disease axonal type 2O. Last evaluated: 2023-03-18. Review status: criteria provided, single submitter. Criteria: Invitae Variant Classification Sherloc (09022015). Collection method: clinical testing. Allele origin: germline.
Comment: In summary, the available evidence is currently insufficient to determine the role of this variant in disease. Therefore, it has been classified as a Variant of Uncertain Significance. Advanced modeling of protein sequence and biophysical properties (such as structural, functional, and spatial information, amino acid conservation, physicochemical variation, residue mobility, and thermodynamic stability) performed at Invitae indicates that this missense variant is not expected to disrupt DYNC1H1 protein function. This variant is not present in population databases (gnomAD no frequency). This sequence change replaces isoleucine, which is neutral and non-polar, with valine, which is neutral and non-polar, at codon 2288 of the DYNC1H1 protein (p.Ile2288Val). This variant has not been reported in the literature in individuals affected with DYNC1H1-related conditions. ClinVar contains an entry for this variant (Variation ID: 571902).

NM_001376.5(DYNC1H1):c.6862A>G (p.Ile2288Val)

Gene: DYNC1H1 (dynein cytoplasmic 1 heavy chain 1; plus strand). Cytogenetic location: 14q32.31.
Variant type: single nucleotide variant.
Coding change: c.6862A>G on transcript NM_001376.5 (MANE Select); coding-DNA position 6862, A replaced by G.
Protein change: p.Ile2288Val; replaces isoleucine 2288 with valine.
Molecular consequence: missense variant.
Genome position (GRCh38, 1-based): chr14:102,012,318, A>G. VCF-style: chr14-102012318-A-G. GRCh37 (hg19) VCF-style: chr14-102478655-A-G.
Other names: short protein forms I2288V.
Identifiers: ClinVar variation 571902 (VCV000571902.8), dbSNP rs1567010983, ClinGen allele CA391058365.